The following is an entry in ClinVar:

NM_181486.4(TBX5):c.148-1G>A

Gene: TBX5 (T-box transcription factor 5; minus strand). Cytogenetic location: 12q24.21.
Variant type: single nucleotide variant.
Coding change: c.148-1G>A on transcript NM_181486.4 (MANE Select); the canonical splice acceptor site of the intron before coding-DNA position 148, G replaced by A.
Molecular consequence: splice acceptor variant.
Genome position (GRCh38, 1-based): chr12:114,401,921, C>T on the plus strand (G>A on the coding strand, the complement: TBX5 is on the minus strand). VCF-style: chr12-114401921-C-T. GRCh37 (hg19) VCF-style: chr12-114839726-C-T.
Other names: c.-3-1G>A (NM_080717.4); c.148-1G>A (NM_000192.3).
Identifiers: ClinVar variation 5019706 (VCV005019706.1).

ClinVar aggregate classification (germline): Pathogenic (1 of 4 stars; one submission).

Conditions:
Holt-Oram syndrome (HOS). Also called: TBX5-Related Holt-Oram Syndrome; Ventriculo-radial syndrome; Cardiac-limb syndrome; Heart-hand syndrome, type 1. Identifiers: Orphanet 392, MedGen C0265264, MONDO:0007732, OMIM 142900.

Submission:

Juno Genomics, Hangzhou Juno Genomics, Inc
Classification: Pathogenic for Holt-Oram syndrome. Review status: criteria provided, single submitter. Criteria: ACMG Guidelines, 2015. Collection method: clinical testing. Allele origin: germline. Affected: yes.
Comment: Absent from controls (or at extremely low frequency if recessive) in Genome Aggregation Database.;De novo (both maternity and paternity confirmed) in a patient with the disease and no family history.;Null variant in a gene where loss of function (LOF) is a known mechanism of disease.;Patient's phenotype or family history is highly specific for a disease with a single genetic etiology.